The following is an entry in ClinVar:

NM_032608.7(MYO18B):c.5860T>A (p.Tyr1954Asn)

Gene: MYO18B (myosin XVIIIB; plus strand). Cytogenetic location: 22q12.1.
Variant type: single nucleotide variant.
Coding change: c.5860T>A on transcript NM_032608.7 (MANE Select); coding-DNA position 5860, T replaced by A.
Protein change: p.Tyr1954Asn; replaces tyrosine 1954 with asparagine.
Molecular consequence: missense variant.
Genome position (GRCh38, 1-based): chr22:25,952,313, T>A. VCF-style: chr22-25952313-T-A. GRCh37 (hg19) VCF-style: chr22-26348279-T-A.
Other names: c.5863T>A, p.Tyr1955Asn (NM_001318245.2); short protein forms Y1954N, Y1955N.
Identifiers: ClinVar variation 1938657 (VCV001938657.2), dbSNP rs1168232145, ClinGen allele CA411008609.

ClinVar aggregate classification (germline): Uncertain significance (1 of 4 stars; one submission).

Allele frequency attached by ClinVar (database versions not stated): gnomAD exomes below 0.00001; gnomAD 0.00001.
gnomAD v4.1: 4 of 1,611,028 alleles (0.00025%); highest among the groups gnomAD compares: Non-Finnish European, 0.00025%; no homozygotes.

Submission:

Labcorp Genetics (formerly Invitae), Labcorp
Classification: Uncertain significance. Last evaluated: 2022-06-20. Review status: criteria provided, single submitter. Criteria: Invitae Variant Classification Sherloc (09022015). Collection method: clinical testing. Allele origin: germline.
Comment: This sequence change replaces tyrosine, which is neutral and polar, with asparagine, which is neutral and polar, at codon 1954 of the MYO18B protein (p.Tyr1954Asn). This variant is not present in population databases (gnomAD no frequency). This variant has not been reported in the literature in individuals affected with MYO18B-related conditions. Algorithms developed to predict the effect of missense changes on protein structure and function are either unavailable or do not agree on the potential impact of this missense change (SIFT: "Not Available"; PolyPhen-2: "Possibly Damaging"; Align-GVGD: "Not Available"). In summary, the available evidence is currently insufficient to determine the role of this variant in disease. Therefore, it has been classified as a Variant of Uncertain Significance.